The following is an entry in ClinVar:

NM_001854.4(COL11A1):c.3168+1G>A

Gene: COL11A1 (collagen type XI alpha 1 chain; minus strand). Cytogenetic location: 1p21.1.
Variant type: single nucleotide variant.
Coding change: c.3168+1G>A on transcript NM_001854.4 (MANE Select); the canonical splice donor site of the intron after coding-DNA position 3168, G replaced by A.
Molecular consequence: splice donor variant.
Genome position (GRCh38, 1-based): chr1:102,961,865, C>T on the plus strand (G>A on the coding strand, the complement: COL11A1 is on the minus strand). VCF-style: chr1-102961865-C-T. GRCh37 (hg19) VCF-style: chr1-103427421-C-T.
Other names: c.3051+1G>A (NM_001190709.2); c.3204+1G>A (NM_080629.3); c.2820+1G>A (NM_080630.4).
Identifiers: ClinVar variation 1396245 (VCV001396245.8), dbSNP rs886042653, ClinGen allele CA341156016.

ClinVar aggregate classification (germline): Pathogenic/Likely pathogenic. Review status: criteria provided, multiple submitters, no conflicts (2 of 4 stars). 2 submissions from 2 submitters: Pathogenic (1); Likely pathogenic (1). Last evaluated 2022-07-08.

Conditions:
Hearing loss, autosomal dominant 37. Also called: DEAFNESS, AUTOSOMAL DOMINANT 37. Identifiers: MedGen C4760307, MONDO:0032802, OMIM 618533.

Submissions (2):

Laboratorio de Genetica e Diagnostico Molecular, Hospital Israelita Albert Einstein
Classification: Likely pathogenic for Hearing loss, autosomal dominant 37. Last evaluated: 2022-07-08. Review status: criteria provided, single submitter. Criteria: ACMG Guidelines, 2015. Collection method: clinical testing. Allele origin: germline. Affected: yes. Observed: 1 variant allele.
Comment: ACMG classification criteria: PVS1 strong, PS4 supporting, PM2 moderated, PP1 supporting

Labcorp Genetics (formerly Invitae), Labcorp
Classification: Pathogenic. Last evaluated: 2022-06-27. Review status: criteria provided, single submitter. Criteria: Invitae Variant Classification Sherloc (09022015). Collection method: clinical testing. Allele origin: germline.
Comment: For these reasons, this variant has been classified as Pathogenic. Algorithms developed to predict the effect of sequence changes on RNA splicing suggest that this variant may disrupt the consensus splice site. Disruption of this splice site has been observed in individual(s) with Stickler syndrome (PMID: 28315471). In at least one individual the variant was observed to be de novo. This variant is not present in population databases (gnomAD no frequency). This sequence change affects a donor splice site in intron 41 of the COL11A1 gene. It is expected to disrupt RNA splicing. Variants that disrupt the donor or acceptor splice site typically lead to a loss of protein function (PMID: 16199547), and loss-of-function variants in COL11A1 are known to be pathogenic (PMID: 20513134, 21035103, 23922384, 25240749, 32427345, 32756486).

Literature cited by the submitters: PubMed 28315471 (cited by Labcorp Genetics (formerly Invitae), Labcorp); PubMed 16199547 (cited by Labcorp Genetics (formerly Invitae), Labcorp); PubMed 20513134 (cited by Labcorp Genetics (formerly Invitae), Labcorp); PubMed 21035103 (cited by Labcorp Genetics (formerly Invitae), Labcorp); PubMed 23922384 (cited by Labcorp Genetics (formerly Invitae), Labcorp); PubMed 25240749 (cited by Labcorp Genetics (formerly Invitae), Labcorp); PubMed 32427345 (cited by Labcorp Genetics (formerly Invitae), Labcorp); PubMed 32756486 (cited by Labcorp Genetics (formerly Invitae), Labcorp).